The following is an entry in ClinVar:

ClinVar aggregate classification (germline): Pathogenic (1 of 4 stars; one submission).

Conditions:
Neuromuscular disease caused by qualitative or quantitative defects of dysferlin. Also called: Qualitative or quantitative defects of dysferlin; Dysferlinopathy. Identifiers: Orphanet 207073, MedGen C2931687, MONDO:0016145.

Submission:

Labcorp Genetics (formerly Invitae), Labcorp
Classification: Pathogenic for Neuromuscular disease caused by qualitative or quantitative defects of dysferlin. Last evaluated: 2023-02-07. Review status: criteria provided, single submitter. Criteria: Invitae Variant Classification Sherloc (09022015). Collection method: clinical testing. Allele origin: germline.
Comment: For these reasons, this variant has been classified as Pathogenic. This variant has not been reported in the literature in individuals affected with DYSF-related conditions. This variant is not present in population databases (gnomAD no frequency). This sequence change creates a premature translational stop signal (p.Leu1502*) in the DYSF gene. It is expected to result in an absent or disrupted protein product. Loss-of-function variants in DYSF are known to be pathogenic (PMID: 17698709, 20301480).

Literature cited by the submitters: PubMed 17698709; PubMed 20301480.

NM_001130987.2(DYSF):c.4621del (p.Thr1540_Leu1541insTer)

Gene: DYSF (dysferlin; plus strand). Cytogenetic location: 2p13.2.
Variant type: Deletion.
Coding change: c.4621del on transcript NM_001130987.2 (MANE Select); coding-DNA position 4621, one base deleted (C; older notation c.4621delC).
Protein change: p.Thr1540_Leu1541insTer.
Molecular consequence: nonsense.
Genome position (GRCh38, 1-based): chr2:71,644,058, C deleted; the last of 3 consecutive C bases (chr2:71,644,056-71,644,058); deleting any one gives the same sequence. VCF-style (leftmost placement, unchanged base first): chr2-71644055-AC-A. GRCh37 (hg19) VCF-style: chr2-71871185-AC-A.
Other names: c.4507del, p.Thr1502_Leu1503insTer (NM_001130455.2); c.4462del, p.Thr1487_Leu1488insTer (NM_001130976.2); c.4525del, p.Thr1508_Leu1509insTer (NM_001130977.2); c.4567del, p.Thr1522_Leu1523insTer (NM_001130978.2); c.4597del, p.Thr1532_Leu1533insTer (NM_001130979.2); c.4555del, p.Thr1518_Leu1519insTer (NM_001130980.2); c.4618del, p.Thr1539_Leu1540insTer (NM_001130981.2); c.4600del, p.Thr1533_Leu1534insTer (NM_001130982.2); and 5 more.
Identifiers: ClinVar variation 2835192 (VCV002835192.3), dbSNP rs2094529146, ClinGen allele CA1260140102.
Genomic context (GRCh38, chr2:71,644,055, plus strand): 5'-TTCTTTGCCTCCATAGGGGAGAGGGAAAAGTGCGGCTCCTACCTGGAGAAGGATTTTGAC[AC>A]CCTGAAGGTAAGGCCTCTCTTCAGTCTGACAGTCGGTGTGTGTGTGCGTACTGGGCAGTG-3'